The following is an entry in ClinVar:

ClinVar aggregate classification (germline): Uncertain significance (1 of 4 stars; one submission).

gnomAD v4.1: 27 of 1,613,838 alleles (0.0017%); highest among the groups gnomAD compares: South Asian, 0.022%; no homozygotes.

Submission:

Labcorp Genetics (formerly Invitae), Labcorp
Classification: Uncertain significance. Last evaluated: 2025-06-05. Review status: criteria provided, single submitter. Criteria: Invitae Variant Classification Sherloc (09022015). Collection method: clinical testing. Allele origin: germline.
Comment: This sequence change replaces serine, which is neutral and polar, with glycine, which is neutral and non-polar, at codon 1186 of the SUCO protein (p.Ser1186Gly). This variant is present in population databases (rs765663781, gnomAD 0.02%). This variant has not been reported in the literature in individuals affected with SUCO-related conditions. ClinVar contains an entry for this variant (Variation ID: 3671987). An algorithm developed to predict the effect of missense changes on protein structure and function (PolyPhen-2) suggests that this variant is likely to be tolerated. Algorithms developed to predict the effect of sequence changes on RNA splicing suggest that this variant may create or strengthen a splice site. In summary, the available evidence is currently insufficient to determine the role of this variant in disease. Therefore, it has been classified as a Variant of Uncertain Significance.

NM_014283.5(SUCO):c.3556A>G (p.Ser1186Gly)

Gene: SUCO (SUN domain containing ossification factor; plus strand). Cytogenetic location: 1q24.3.
Variant type: single nucleotide variant.
Coding change: c.3556A>G on transcript NM_014283.5 (MANE Select); coding-DNA position 3556, A replaced by G.
Protein change: p.Ser1186Gly; replaces serine 1186 with glycine.
Molecular consequence: missense variant.
Genome position (GRCh38, 1-based): chr1:172,610,050, A>G. VCF-style: chr1-172610050-A-G. GRCh37 (hg19) VCF-style: chr1-172579190-A-G.
Other names: c.2443A>G, p.Ser815Gly (NM_001282750.2); c.1867A>G, p.Ser623Gly (NM_001282751.2); c.4009A>G, p.Ser1337Gly (NM_016227.4); short protein forms S1337G, S815G, S623G, S1186G.
Identifiers: ClinVar variation 3671987 (VCV003671987.2).